The following is an entry in ClinVar:

ClinVar aggregate classification (germline): Pathogenic. Review status: criteria provided, multiple submitters, no conflicts (2 of 4 stars). 2 submissions from 2 submitters: Pathogenic (2). Last evaluated 2024-07-11.

Conditions:
Breast-ovarian cancer, familial, susceptibility to, 2 (BROVCA2). Also called: BRCA2 Hereditary Breast and Ovarian Cancer. Identifiers: Orphanet 145, MedGen C2675520, MONDO:0012933, OMIM 612555. Disease mechanism: loss of function.
Inherited breast cancer and ovarian cancer.

Submissions (2):

Genomics and Molecular Medicine Service, East Genomic Laboratory Hub, NHS Genomic Medicine Service
Classification: Pathogenic for Inherited breast cancer and ovarian cancer. Last evaluated: 2024-07-11. Review status: criteria provided, single submitter. Criteria: ACGS Best Practice Guidelines for Variant Classification in Rare Disease 2020. Collection method: clinical testing. Allele origin: germline. Affected: yes.
Comment: PVS1,PM5_Strong

Molecular Pathology, Peter Maccallum Cancer Centre
Classification: Pathogenic for Breast-ovarian cancer, familial, susceptibility to, 2. Last evaluated: 2024-01-03. Review status: criteria provided, single submitter. Criteria: ACMG Guidelines, 2015. Collection method: clinical testing. Allele origin: germline. Inheritance: Autosomal dominant inheritance.

NM_000059.4(BRCA2):c.6177del (p.Ser2059fs)

Gene: BRCA2 (BRCA2 DNA repair associated; plus strand). Cytogenetic location: 13q13.1.
Variant type: Deletion.
Coding change: c.6177del on transcript NM_000059.4 (MANE Select); coding-DNA position 6177, one base deleted (T; older notation c.6177delT).
Protein change: p.Ser2059fs; shifts the reading frame from serine 2059.
Molecular consequence: frameshift variant. On other transcripts: non-coding transcript variant (1), intron variant (2).
Genome position (GRCh38, 1-based): chr13:32,340,532, T deleted. VCF-style (leftmost placement, unchanged base first): chr13-32340531-GT-G. GRCh37 (hg19) VCF-style: chr13-32914668-GT-G.
Other names: c.6177del, p.Ser2059fs (NM_001406719.1, NM_001406720.1, NM_001432077.1); c.1910-4026del (NM_001406721.1); c.425-4026del (NM_001406722.1); short protein forms S2059fs.
Identifiers: ClinVar variation 3374742 (VCV003374742.2).
Genomic context (GRCh38, chr13:32,340,531, plus strand): 5'-TAATATCCCAAAAAGGCTTTTCATATAATGTGGTAAATTCATCTGCTTTCTCTGGATTTA[GT>G]ACAGCAAGTGGAAAGCAAGTTTCCATTTTAGAAAGTTCCTTACACAAAGTTAAGGGAGTG-3'